The following is an entry in ClinVar:

NM_001277115.2(DNAH11):c.576A>G (p.Ile192Met)

Gene: DNAH11 (dynein axonemal heavy chain 11; plus strand). Cytogenetic location: 7p15.3.
Variant type: single nucleotide variant.
Coding change: c.576A>G on transcript NM_001277115.2 (MANE Select); coding-DNA position 576, A replaced by G.
Protein change: p.Ile192Met; replaces isoleucine 192 with methionine.
Molecular consequence: missense variant.
Genome position (GRCh38, 1-based): chr7:21,558,882, A>G. VCF-style: chr7-21558882-A-G. GRCh37 (hg19) VCF-style: chr7-21598500-A-G.
Other names: short protein forms I192M.
Identifiers: ClinVar variation 163094 (VCV000163094.29), dbSNP rs72655972, ClinGen allele CA175700.

ClinVar aggregate classification (germline): Benign/Likely benign. Review status: criteria provided, multiple submitters, no conflicts (2 of 4 stars). 8 submissions from 8 submitters: Benign (6); Likely benign (2). Last evaluated 2026-02-02.

Conditions:
Primary ciliary dyskinesia. Also called: Ciliary dyskinesia. Identifiers: Orphanet 244, MedGen C0008780, MONDO:0016575, HP:0012265.

Allele frequency attached by ClinVar (database versions not stated): ESP Exome Variant Server 0.00390; gnomAD 0.00876 and 0.01203; gnomAD exomes 0.01001 and 0.02559; TOPMed 0.01240; 1000 Genomes Project 30x 0.03467; ExAC 0.03557; 1000 Genomes Project 0.03774.
gnomAD v4.1: 16,705 of 1,608,060 alleles (1%); highest among the groups gnomAD compares: South Asian, 7.5%; 555 homozygotes.

Submissions (8):

Labcorp Genetics (formerly Invitae), Labcorp
Classification: Benign for Primary ciliary dyskinesia. Last evaluated: 2026-02-02. Review status: criteria provided, single submitter. Criteria: Invitae Variant Classification Sherloc (09022015). Collection method: clinical testing. Allele origin: germline.

Blueprint Genetics
Classification: Likely benign. Last evaluated: 2024-11-26. Review status: criteria provided, single submitter. Criteria: ACMG Guidelines, 2015. Collection method: clinical testing. Allele origin: germline.

Mayo Clinic Laboratories, Mayo Clinic
Classification: Benign. Last evaluated: 2022-04-26. Review status: criteria provided, single submitter. Criteria: ACMG Guidelines, 2015. Collection method: clinical testing. Allele origin: germline. Observed: 7 variant alleles.

GeneDx
Classification: Benign. Last evaluated: 2019-01-16. Review status: criteria provided, single submitter. Criteria: GeneDx Variant Classification Process June 2021. Collection method: clinical testing. Allele origin: germline. Affected: yes.

Eurofins Ntd Llc (ga)
Classification: Benign. Last evaluated: 2014-06-27. Review status: criteria provided, single submitter. Criteria: EGL Classification Definitions 2015. Collection method: clinical testing. Allele origin: germline. Observed: 2 variant alleles, 2 heterozygotes.

Laboratory for Molecular Medicine, Mass General Brigham Personalized Medicine
Classification: Benign. Last evaluated: 2013-02-21. Review status: criteria provided, single submitter. Criteria: LMM Criteria. Collection method: clinical testing. Allele origin: germline. Observed: 1 variant allele.
Comment: Ile192Met in exon 3 of DNAH11: This variant is not expected to have clinical sig nificance because it has been identified in 7.3% (13/178) of Japanese chromosome s from a broad population by the 1000 Genomes Project (ov/projects/SNP; dbSNP rs72655972).

Breakthrough Genomics
Classification: Likely benign. Review status: criteria provided, single submitter. Criteria: ACMG Guidelines, 2015. Collection method: not provided. Allele origin: germline. Inheritance: Autosomal recessive inheritance. Affected: yes.

PreventionGenetics, part of Exact Sciences
Classification: Benign. Review status: criteria provided, single submitter. Criteria: ACMG Guidelines, 2015. Collection method: clinical testing. Allele origin: germline.